The following is an entry in ClinVar:

NM_032638.5(GATA2):c.580G>T (p.Ala194Ser)

Gene: GATA2 (GATA binding protein 2; minus strand). Cytogenetic location: 3q21.3.
Variant type: single nucleotide variant.
Coding change: c.580G>T on transcript NM_032638.5 (MANE Select); coding-DNA position 580, G replaced by T.
Protein change: p.Ala194Ser; replaces alanine 194 with serine.
Molecular consequence: missense variant.
Genome position (GRCh38, 1-based): chr3:128,486,018, C>A on the plus strand (G>T on the coding strand, the complement: GATA2 is on the minus strand). VCF-style: chr3-128486018-C-A. GRCh37 (hg19) VCF-style: chr3-128204861-C-A.
Other names: c.580G>T, p.Ala194Ser (NM_001145661.2, NM_001145662.1); short protein forms A194S.
Identifiers: ClinVar variation 2014833 (VCV002014833.4), dbSNP rs1443381574, ClinGen allele CA354406477.
Genomic context (GRCh38, chr3:128,486,018, plus strand): 5'-GGTACTTGACGCCGTCCTTGTCCTCTCCTCGGGCTGCACTACCCCCCGCGGAAGATGAGG[C>A]TGGAGACGCAGCCCCCGTGGTGCTAGGGTCAGGAGACACTTCTTTGGGTGGCGTGGGTGG-3'
Protein context (NP_116027.2, residues 184-204): DPSTTGAASP[Ala194Ser]SSSAGGSAAR

ClinVar aggregate classification (germline): Uncertain significance (1 of 4 stars; one submission).

Conditions:
Monocytopenia with susceptibility to infections. Also called: MONOCYTOPENIA AND MYCOBACTERIAL INFECTION SYNDROME; MONOCYTOPENIA WITH SUSCEPTIBILITY TO MYCOBACTERIAL, FUNGAL, AND PAPILLOMAVIRUS INFECTIONS AND MYELODYSPLASIA; COMBINED IMMUNODEFICIENCY WITH SUSCEPTIBILITY TO MYCOBACTERIAL, VIRAL, AND FUNGAL INFECTIONS; Dendritic cell, monocyte, B lymphocyte, and natural killer lymphocyte deficiency; IMMUNODEFICIENCY 21; GATA2 DEFICIENCY. Identifiers: Orphanet 228423, MedGen C3280030, MONDO:0013607, OMIM 614172.
Deafness-lymphedema-leukemia syndrome. Also called: Lymphedema, primary, with myelodysplasia; Emberger syndrome. Identifiers: Orphanet 3226, MedGen C3279664, MONDO:0013540, OMIM 614038.

Allele frequency attached by ClinVar (database versions not stated): TOPMed below 0.00001; gnomAD 0.00001.
gnomAD v4.1: 1 of 1,614,004 alleles (0.000062%); highest among the groups gnomAD compares: Non-Finnish European, 0.000085%; no homozygotes.

Submission:

Labcorp Genetics (formerly Invitae), Labcorp
Classification: Uncertain significance for Monocytopenia with susceptibility to infections; Deafness-lymphedema-leukemia syndrome. Last evaluated: 2022-07-07. Review status: criteria provided, single submitter. Criteria: Invitae Variant Classification Sherloc (09022015). Collection method: clinical testing. Allele origin: germline.
Comment: In summary, the available evidence is currently insufficient to determine the role of this variant in disease. Therefore, it has been classified as a Variant of Uncertain Significance. Advanced modeling of protein sequence and biophysical properties (such as structural, functional, and spatial information, amino acid conservation, physicochemical variation, residue mobility, and thermodynamic stability) performed at Invitae indicates that this missense variant is not expected to disrupt GATA2 protein function. This variant has not been reported in the literature in individuals affected with GATA2-related conditions. This variant is present in population databases (no rsID available, gnomAD 0.007%). This sequence change replaces alanine, which is neutral and non-polar, with serine, which is neutral and polar, at codon 194 of the GATA2 protein (p.Ala194Ser).